The following is an entry in ClinVar:

ClinVar aggregate classification (germline): Uncertain significance (1 of 4 stars; one submission).

Allele frequency attached by ClinVar (database versions not stated): gnomAD exomes below 0.00001.
gnomAD v4.1: 1 of 1,614,052 alleles (0.000062%); highest among the groups gnomAD compares: Admixed American, 0.0017%; no homozygotes.

Submission:

Labcorp Genetics (formerly Invitae), Labcorp
Classification: Uncertain significance. Last evaluated: 2022-11-28. Review status: criteria provided, single submitter. Criteria: Invitae Variant Classification Sherloc (09022015). Collection method: clinical testing. Allele origin: germline.
Comment: In summary, the available evidence is currently insufficient to determine the role of this variant in disease. Therefore, it has been classified as a Variant of Uncertain Significance. This sequence change replaces glycine, which is neutral and non-polar, with arginine, which is basic and polar, at codon 874 of the TAOK2 protein (p.Gly874Arg). This variant is not present in population databases (gnomAD no frequency). This variant has not been reported in the literature in individuals affected with TAOK2-related conditions. Algorithms developed to predict the effect of missense changes on protein structure and function (SIFT, PolyPhen-2, Align-GVGD) all suggest that this variant is likely to be tolerated.

NM_016151.4(TAOK2):c.2620G>A (p.Gly874Arg)

Gene: TAOK2 (TAO kinase 2; plus strand). Cytogenetic location: 16p11.2.
Variant type: single nucleotide variant.
Coding change: c.2620G>A on transcript NM_016151.4 (MANE Select); coding-DNA position 2620, G replaced by A.
Protein change: p.Gly874Arg; replaces glycine 874 with arginine.
Molecular consequence: missense variant. On other transcripts: intron variant (1).
Genome position (GRCh38, 1-based): chr16:29,986,892, G>A. VCF-style: chr16-29986892-G-A. GRCh37 (hg19) VCF-style: chr16-29998213-G-A.
Other names: c.2281G>A, p.Gly761Arg (NM_001252043.2); c.2232+388G>A (NM_004783.4); short protein forms G874R, G761R.
Identifiers: ClinVar variation 2134928 (VCV002134928.4), dbSNP rs2543665471, ClinGen allele CA395493305.